The following is an entry in ClinVar:

NM_001330260.2(SCN8A):c.1474C>T (p.Arg492Cys)

Gene: SCN8A (sodium voltage-gated channel alpha subunit 8; plus strand). Cytogenetic location: 12q13.13.
Variant type: single nucleotide variant.
Coding change: c.1474C>T on transcript NM_001330260.2 (MANE Select); coding-DNA position 1474, C replaced by T.
Protein change: p.Arg492Cys; replaces arginine 492 with cysteine.
Molecular consequence: missense variant.
Genome position (GRCh38, 1-based): chr12:51,706,554, C>T. VCF-style: chr12-51706554-C-T. GRCh37 (hg19) VCF-style: chr12-52100338-C-T.
Other names: c.1474C>T, p.Arg492Cys (NM_001177984.3, NM_001369788.1, NM_014191.4); short protein forms R492C.
Identifiers: ClinVar variation 589221 (VCV000589221.17), dbSNP rs576362165, ClinGen allele CA6571267.
Genomic context (GRCh38, chr12:51,706,554, plus strand): 5'-GGCTCCCCTCGGAGCTCTTCTGAAATCTCTAAACTCAGCTCAAAGAGTGCAAAGGAAAGA[C>T]GTAACAGGAGAAAGAAGAGGAAGCAAAAGGAACTCTCTGAAGGAGAGGAGAAAGGGGATC-3'
Protein context (NP_001317189.1, residues 482-502): KLSSKSAKER[Arg492Cys]NRRKKRKQKE

ClinVar aggregate classification (germline): Uncertain significance. Review status: criteria provided, multiple submitters, no conflicts (2 of 4 stars). 2 submissions from 2 submitters: Uncertain significance (2). Last evaluated 2025-02-06.

Conditions:
Inborn genetic diseases. Identifiers: MedGen C0950123, MeSH D030342.
Early-infantile DEE. Also called: Early infantile epileptic encephalopathy; Ohtahara syndrome; Early infantile epileptic encephalopathy with suppression bursts. Identifiers: Orphanet 1934, MedGen C0393706, MONDO:0800491.

Allele frequency attached by ClinVar (database versions not stated): gnomAD 0.00001; TOPMed 0.00001; ExAC 0.00005; 1000 Genomes Project 30x 0.00016; 1000 Genomes Project 0.00020.
gnomAD v4.1: 40 of 1,607,420 alleles (0.0025%); highest among the groups gnomAD compares: Admixed American, 0.0051%; no homozygotes.

Submissions (2):

Labcorp Genetics (formerly Invitae), Labcorp
Classification: Uncertain significance for Early-infantile DEE. Last evaluated: 2025-02-06. Review status: criteria provided, single submitter. Criteria: Invitae Variant Classification Sherloc (09022015). Collection method: clinical testing. Allele origin: germline.
Comment: This sequence change replaces arginine, which is basic and polar, with cysteine, which is neutral and slightly polar, at codon 492 of the SCN8A protein (p.Arg492Cys). This variant is present in population databases (rs576362165, gnomAD 0.006%). This variant has not been reported in the literature in individuals affected with SCN8A-related conditions. ClinVar contains an entry for this variant (Variation ID: 589221). Invitae Evidence Modeling of protein sequence and biophysical properties (such as structural, functional, and spatial information, amino acid conservation, physicochemical variation, residue mobility, and thermodynamic stability) has been performed for this missense variant. However, the output from this modeling did not meet the statistical confidence thresholds required to predict the impact of this variant on SCN8A protein function. In summary, the available evidence is currently insufficient to determine the role of this variant in disease. Therefore, it has been classified as a Variant of Uncertain Significance.

Ambry Genetics
Classification: Uncertain significance for Inborn genetic diseases. Last evaluated: 2017-06-12. Review status: criteria provided, single submitter. Criteria: Ambry Variant Classification Scheme 2023. Collection method: clinical testing. Allele origin: germline.
Comment: The p.R492C variant (also known as c.1474C>T), located in coding exon 10 of the SCN8A gene, results from a C to T substitution at nucleotide position 1474. The arginine at codon 492 is replaced by cysteine, an amino acid with highly dissimilar properties. This amino acid position is highly conserved in available vertebrate species. In addition, this alteration is predicted to be deleterious by in silico analysis. Since supporting evidence is limited at this time, the clinical significance of this alteration remains unclear.